The following is an entry in ClinVar:

ClinVar aggregate classification (germline): Uncertain significance. Review status: criteria provided, multiple submitters, no conflicts (2 of 4 stars). 2 submissions from 2 submitters: Uncertain significance (2). Last evaluated 2026-05-17.

Conditions:
Senior-Loken syndrome 7 (SLSN7). Identifiers: Orphanet 3156, MedGen C3150877, MONDO:0013326, OMIM 613615.
Bardet-Biedl syndrome 16 (BBS16). Identifiers: Orphanet 110, MedGen C3889474, MONDO:0014444, OMIM 615993.
SDCCAG8-related disorder. Also called: SDCCAG8-Related Disorders; SDCCAG8-related condition.

Allele frequency attached by ClinVar (database versions not stated): gnomAD exomes below 0.00001.
gnomAD v4.1: 3 of 1,614,028 alleles (0.00019%); highest among the groups gnomAD compares: Non-Finnish European, 0.00025%; no homozygotes.

Submissions (2):

PreventionGenetics, part of Exact Sciences
Classification: Uncertain significance for SDCCAG8-related condition. Last evaluated: 2026-05-17. Review status: criteria provided, single submitter. Criteria: ACMG Guidelines, 2015. Collection method: clinical testing. Allele origin: germline.
Comment: The SDCCAG8 c.1117G>A variant is predicted to result in the amino acid substitution p.Glu373Lys. To our knowledge, this variant has not been reported in the literature. This variant is reported in 0.00088% of alleles in individuals of European (Non-Finnish) descent in gnomAD. At this time, the clinical significance of this variant is uncertain due to the absence of conclusive functional and genetic evidence.

Labcorp Genetics (formerly Invitae), Labcorp
Classification: Uncertain significance for Bardet-Biedl syndrome 16; Senior-Loken syndrome 7. Last evaluated: 2024-03-06. Review status: criteria provided, single submitter. Criteria: Invitae Variant Classification Sherloc (09022015). Collection method: clinical testing. Allele origin: germline.
Comment: This sequence change replaces glutamic acid, which is acidic and polar, with lysine, which is basic and polar, at codon 373 of the SDCCAG8 protein (p.Glu373Lys). This variant is present in population databases (no rsID available, gnomAD 0.0009%). This variant has not been reported in the literature in individuals affected with SDCCAG8-related conditions. ClinVar contains an entry for this variant (Variation ID: 2014863). Advanced modeling of protein sequence and biophysical properties (such as structural, functional, and spatial information, amino acid conservation, physicochemical variation, residue mobility, and thermodynamic stability) performed at Invitae indicates that this missense variant is not expected to disrupt SDCCAG8 protein function with a negative predictive value of 80%. In summary, the available evidence is currently insufficient to determine the role of this variant in disease. Therefore, it has been classified as a Variant of Uncertain Significance.

NM_006642.5(SDCCAG8):c.1117G>A (p.Glu373Lys)

Gene: SDCCAG8 (SHH signaling and ciliogenesis regulator SDCCAG8; plus strand). Cytogenetic location: 1q43.
Variant type: single nucleotide variant.
Coding change: c.1117G>A on transcript NM_006642.5 (MANE Select); coding-DNA position 1117, G replaced by A.
Protein change: p.Glu373Lys; replaces glutamic acid 373 with lysine.
Molecular consequence: missense variant.
Genome position (GRCh38, 1-based): chr1:243,330,588, G>A. VCF-style: chr1-243330588-G-A. GRCh37 (hg19) VCF-style: chr1-243493890-G-A.
Other names: c.214G>A, p.Glu72Lys (NM_001350247.2, NM_001350251.2, NM_001350246.2); c.1213G>A, p.Glu405Lys (NM_001350248.2); c.823G>A, p.Glu275Lys (NM_001350249.2); c.1117G>A (NM_006642.3); short protein forms E373K, E72K, E275K, E405K.
Identifiers: ClinVar variation 2014863 (VCV002014863.5), dbSNP rs1161158288, ClinGen allele CA345482577.